The following is an entry in ClinVar:

NM_001308093.3(GATA4):c.1207G>T (p.Ala403Ser)

Gene: GATA4 (GATA binding protein 4). Cytogenetic location: 8p23.1.
Variant type: single nucleotide variant.
Coding change: c.1207G>T on transcript NM_001308093.3 (MANE Select); coding-DNA position 1207, G replaced by T.
Protein change: p.Ala403Ser; replaces alanine 403 with serine.
Molecular consequence: missense variant.
Genome position (GRCh38, 1-based): chr8:11,758,350, G>T. VCF-style: chr8-11758350-G-T. GRCh37 (hg19) VCF-style: chr8-11615859-G-T.
Other names: c.586G>T, p.Ala196Ser (NM_001308094.2, NM_001374273.1); c.460G>T, p.Ala154Ser (NM_001374274.1); c.1204G>T, p.Ala402Ser (NM_002052.5); short protein forms A402S, A196S, A154S, A403S.
Identifiers: ClinVar variation 4998838 (VCV004998838.1).

ClinVar aggregate classification (germline): Uncertain significance (1 of 4 stars; one submission).

Conditions:
GATA4-related disorder. Also called: GATA4-related condition. Identifiers: MedGen CN860321.

Submission:

PreventionGenetics, part of Exact Sciences
Classification: Uncertain significance for GATA4-related condition. Last evaluated: 2025-02-17. Review status: criteria provided, single submitter. Criteria: ACMG Guidelines, 2015. Collection method: clinical testing. Allele origin: germline.
Comment: The GATA4 c.1204G>T variant is predicted to result in the amino acid substitution p.Ala402Ser. To our knowledge, this variant has not been reported in the literature or in a large population database (gnomAD), indicating this variant is rare. At this time, the clinical significance of this variant is uncertain due to the absence of conclusive functional and genetic evidence.